The following is an entry in ClinVar:

NM_007294.4(BRCA1):c.135-8A>T

Gene: BRCA1 (BRCA1 DNA repair associated; minus strand). Cytogenetic location: 17q21.31.
Variant type: single nucleotide variant.
Coding change: c.135-8A>T on transcript NM_007294.4 (MANE Select); 8 bases into the intron before coding-DNA position 135, A replaced by T.
Molecular consequence: intron variant.
Genome position (GRCh38, 1-based): chr17:43,106,541, T>A on the plus strand (A>T on the coding strand, the complement: BRCA1 is on the minus strand). VCF-style: chr17-43106541-T-A. GRCh37 (hg19) VCF-style: chr17-41258558-T-A.
Other names: c.-7-8A>T (NM_001408458.1, NM_001407931.1, NM_001407747.1 and 99 more transcripts); c.-218-11681A>T (NM_001407967.1, NM_001407966.1); c.-169-1585A>T (NM_001407959.1, NM_001407962.1, NM_001408512.1 and 4 more transcripts); c.-54-8A>T (NM_001407885.1, NM_001407886.1, NM_001407898.1 and 58 more transcripts); c.135-8A>T (NM_001407686.1, NM_001408397.1, NM_001407632.1 and 167 more transcripts); c.81-1585A>T (NM_001408451.1); c.135-1585A>T (NM_001408475.1, NM_001407875.1, NM_001407659.1 and 21 more transcripts).
Identifiers: ClinVar variation 868202 (VCV000868202.3), dbSNP rs2054798254, ClinGen allele CA916080921.

Conditions:
Breast-ovarian cancer, familial, susceptibility to, 1 (BROVCA1). Also called: BRCA1 Hereditary Breast and Ovarian Cancer; OVARIAN CANCER, SUSCEPTIBILITY TO. Identifiers: Orphanet 145, MedGen C2676676, MONDO:0011450, OMIM 604370. Disease mechanism: loss of function.

Submission:

Brotman Baty Institute, University of Washington
No classification provided (evidence only). Condition: Breast-ovarian cancer, familial 1. Review status: no classification provided. Collection method: in vitro. Allele origin: not applicable. Functional consequence: functionally_normal.
ClinVar note: "not provided" was previously submitted as the classification for the variant. However, the classification appeared to be based only on an observation of functional data so it was converted to no classification on 2025-07-30.